The following is an entry in ClinVar:

NM_001165963.4(SCN1A):c.3556G>T (p.Val1186Leu)

Genes: SCN1A (sodium voltage-gated channel alpha subunit 1; minus strand), LOC102724058 (uncharacterized LOC102724058; plus strand). Cytogenetic location: 2q24.3.
Variant type: single nucleotide variant.
Coding change: c.3556G>T on transcript NM_001165963.4 (MANE Select); coding-DNA position 3556, G replaced by T.
Protein change: p.Val1186Leu; replaces valine 1186 with leucine.
Molecular consequence: missense variant. On other transcripts: non-coding transcript variant (1).
Genome position (GRCh38, 1-based): chr2:166,013,893, C>A on the plus strand (G>T on the coding strand, the complement: SCN1A is on the minus strand). VCF-style: chr2-166013893-C-A. GRCh37 (hg19) VCF-style: chr2-166870403-C-A.
Other names: p.V1186L:GTA>TTA; c.3472G>T, p.Val1158Leu (NM_001165964.3, NM_001353957.2, NM_001353958.2); c.3556G>T, p.Val1186Leu (NM_001202435.3, NM_001353948.2); c.3523G>T, p.Val1175Leu (NM_001353949.2, NM_001353950.2, NM_001353951.2 and 2 more transcripts); c.3520G>T, p.Val1174Leu (NM_001353954.2, NM_001353955.2); c.3469G>T, p.Val1157Leu (NM_001353960.2); c.1114G>T, p.Val372Leu (NM_001353961.2); short protein forms V1175L, V1186L, V1174L, V1157L, V1158L, V372L.
Identifiers: ClinVar variation 206804 (VCV000206804.14), dbSNP rs780607306, ClinGen allele CA317379.

ClinVar aggregate classification (germline): Conflicting classifications of pathogenicity. Review status: criteria provided, conflicting classifications (1 of 4 stars). 3 submissions from 3 submitters: Uncertain significance (1); Likely benign (2). Last evaluated 2025-10-03.

Conditions:
Early-infantile DEE. Also called: Ohtahara syndrome; Early infantile epileptic encephalopathy; Early infantile epileptic encephalopathy with suppression bursts. Identifiers: Orphanet 1934, MedGen C0393706, MONDO:0800491.
Inborn genetic diseases. Identifiers: MedGen C0950123, MeSH D030342.

Allele frequency attached by ClinVar (database versions not stated): ExAC 0.00002; gnomAD 0.00001; TOPMed 0.00002; gnomAD exomes 0.00004.
gnomAD v4.1: 16 of 1,611,180 alleles (0.00099%); highest among the groups gnomAD compares: Admixed American, 0.018%; no homozygotes.

Submissions (3):

Labcorp Genetics (formerly Invitae), Labcorp
Classification: Likely benign for Early-infantile DEE. Last evaluated: 2025-10-03. Review status: criteria provided, single submitter. Criteria: Invitae Variant Classification Sherloc (09022015). Collection method: clinical testing. Allele origin: germline.

Ambry Genetics
Classification: Likely benign for Inborn genetic diseases. Last evaluated: 2022-11-18. Review status: criteria provided, single submitter. Criteria: Ambry Variant Classification Scheme 2023. Collection method: clinical testing. Allele origin: germline.

GeneDx
Classification: Uncertain significance. Last evaluated: 2017-01-06. Review status: criteria provided, single submitter. Criteria: GeneDx Variant Classification (06012015). Collection method: clinical testing. Allele origin: germline. Affected: yes.
Comment: A variant of uncertain significance has been identified in the SCN1A gene. The V1186L variant has not been published as a pathogenic variant, nor has it been reported as a benign variant to our knowledge. The V1186L variant is not observed at a significant frequency in large population cohorts (Lek et al., 2016; 1000 Genomes Consortium et al., 2015; Exome Variant Server). This substitution alters a position where amino acids with similar properties to Valine are tolerated across species, and is predicted to be within the cytoplasmic loop between 2nd and 3rd homologous domains. However, the V1186L variant is a conservative amino acid substitution, which is not likely to impact secondary protein structure as these residues share similar properties. In silico analysis is inconsistent in its predictions as to whether or not the variant is damaging to the protein structure/function. Therefore, based on the currently available information, it is unclear whether this variant is a pathogenic variant or a rare benign variant.